The following is an entry in ClinVar:

NM_007294.4(BRCA1):c.1310A>T (p.His437Leu)

Gene: BRCA1 (BRCA1 DNA repair associated; minus strand). Cytogenetic location: 17q21.31.
Variant type: single nucleotide variant.
Coding change: c.1310A>T on transcript NM_007294.4 (MANE Select); coding-DNA position 1310, A replaced by T.
Protein change: p.His437Leu; replaces histidine 437 with leucine.
Molecular consequence: missense variant. On other transcripts: intron variant (137).
Genome position (GRCh38, 1-based): chr17:43,094,221, T>A on the plus strand (A>T on the coding strand, the complement: BRCA1 is on the minus strand). VCF-style: chr17-43094221-T-A. GRCh37 (hg19) VCF-style: chr17-41246238-T-A.
Other names: c.1097A>T, p.His366Leu (NM_001407571.1, NM_001407898.1, NM_001407899.1 and 9 more transcripts); c.1310A>T, p.His437Leu (NM_001407581.1, NM_001407582.1, NM_001407583.1 and 30 more transcripts); c.1307A>T, p.His436Leu (NM_001407587.1, NM_001407590.1, NM_001407591.1 and 22 more transcripts); c.1301A>T, p.His434Leu (NM_001407647.1, NM_001407646.1); c.1187A>T, p.His396Leu (NM_001407648.1, NM_001407668.1, NM_001407669.1 and 19 more transcripts); c.1184A>T, p.His395Leu (NM_001407649.1, NM_001407940.1, NM_001407941.1 and 11 more transcripts); c.1232A>T, p.His411Leu (NM_001407653.1, NM_001407654.1, NM_001407655.1 and 4 more transcripts); c.1046A>T, p.His349Leu (NM_001407922.1, NM_001407923.1, NM_001407933.1 and 9 more transcripts); and 40 more; short protein forms H390L, H437L, H269L, H309L, H310L, H366L, H410L, H349L.
Identifiers: ClinVar variation 1675671 (VCV001675671.36), dbSNP rs80357255, ClinGen allele CA10599432.

ClinVar aggregate classification (germline): Conflicting classifications of pathogenicity. Review status: criteria provided, conflicting classifications (1 of 4 stars). 3 submissions from 3 submitters: Uncertain significance (2); Likely benign (1). Last evaluated 2025-06-09.

Conditions:
Hereditary cancer-predisposing syndrome. Also called: Neoplastic Syndromes, Hereditary; Hereditary neoplastic syndrome; Tumor predisposition; Hereditary Cancer Syndrome. Identifiers: Orphanet 140162, MedGen C0027672, MeSH D009386, MONDO:0015356.

Submissions (3):

Ambry Genetics
Classification: Uncertain significance for Hereditary cancer-predisposing syndrome. Last evaluated: 2025-06-09. Review status: criteria provided, single submitter. Criteria: Ambry Variant Classification Scheme 2023. Collection method: clinical testing. Allele origin: germline.
Comment: The p.H437L variant (also known as c.1310A>T), located in coding exon 9 of the BRCA1 gene, results from an A to T substitution at nucleotide position 1310. The histidine at codon 437 is replaced by leucine, an amino acid with similar properties. This amino acid position is not well conserved in available vertebrate species. In addition, the in silico prediction for this alteration is inconclusive. Based on the available evidence, the clinical significance of this variant remains unclear.

University of Washington Department of Laboratory Medicine, University of Washington
Classification: Likely benign for Hereditary cancer-predisposing syndrome. Last evaluated: 2023-03-23. Review status: criteria provided, single submitter. Criteria: Dines et al. (Genet Med. 2020). Collection method: curation. Allele origin: germline.
Comment: Missense variant in a coldspot region where missense variants are very unlikely to be pathogenic (PMID:31911673).

BRCA1 coldspot (exon 11 using historical exon numbering). Reclassification based on statistical prior probability

CeGaT Center for Human Genetics Tuebingen
Classification: Uncertain significance. Last evaluated: 2022-02-01. Review status: criteria provided, single submitter. Criteria: CeGaT Center For Human Genetics Tuebingen Variant Classification Criteria Version 2. Collection method: clinical testing. Allele origin: germline. Affected: yes. Observed: 1 variant allele.